The following is an entry in ClinVar:

NM_000548.5(TSC2):c.1350G>T (p.Glu450Asp)

Gene: TSC2 (TSC complex subunit 2; plus strand). Cytogenetic location: 16p13.3.
Variant type: single nucleotide variant.
Coding change: c.1350G>T on transcript NM_000548.5 (MANE Select); coding-DNA position 1350, G replaced by T.
Protein change: p.Glu450Asp; replaces glutamic acid 450 with aspartic acid.
Molecular consequence: missense variant. On other transcripts: 5 prime UTR variant (1), non-coding transcript variant (5).
Genome position (GRCh38, 1-based): chr16:2,062,589, G>T. VCF-style: chr16-2062589-G-T. GRCh37 (hg19) VCF-style: chr16-2112590-G-T.
Other names: c.1203G>T, p.Glu401Asp (NM_001406675.1, NM_001406676.1, NM_001406679.1 and 1 more transcripts); c.1293G>T, p.Glu431Asp (NM_001406677.1); c.1239G>T, p.Glu413Asp (NM_001406678.1, NM_001318827.2, NM_001406670.1); c.750G>T, p.Glu250Asp (NM_001406680.1, NM_001406682.1, NM_001406683.1 and 6 more transcripts); c.888G>T, p.Glu296Asp (NM_001406681.1); c.6G>T, p.Glu2Asp (NM_001406695.1, NM_001406696.1, NM_001406697.1 and 6 more transcripts); c.-171G>T (NM_001406698.1); c.1350G>T, p.Glu450Asp (NM_021055.3, NM_001077183.3, NM_001114382.3 and 6 more transcripts); and 3 more; short protein forms E450D, E431D, E480D, E296D, E2D, E413D, E250D, E401D.
Identifiers: ClinVar variation 3637189 (VCV003637189.2).

ClinVar aggregate classification (germline): Uncertain significance (1 of 4 stars; one submission).

Conditions:
Tuberous sclerosis 2 (TSC2). Identifiers: Orphanet 805, MedGen C1860707, MONDO:0013199, OMIM 613254.

Submission:

Labcorp Genetics (formerly Invitae), Labcorp
Classification: Uncertain significance for Tuberous sclerosis 2. Last evaluated: 2024-07-22. Review status: criteria provided, single submitter. Criteria: Invitae Variant Classification Sherloc (09022015). Collection method: clinical testing. Allele origin: germline.
Comment: This sequence change replaces glutamic acid, which is acidic and polar, with aspartic acid, which is acidic and polar, at codon 450 of the TSC2 protein (p.Glu450Asp). This variant is not present in population databases (gnomAD no frequency). This variant has not been reported in the literature in individuals affected with TSC2-related conditions. Advanced modeling of protein sequence and biophysical properties (such as structural, functional, and spatial information, amino acid conservation, physicochemical variation, residue mobility, and thermodynamic stability) performed at Invitae indicates that this missense variant is not expected to disrupt TSC2 protein function with a negative predictive value of 95%. In summary, the available evidence is currently insufficient to determine the role of this variant in disease. Therefore, it has been classified as a Variant of Uncertain Significance.